The following is an entry in ClinVar:

Single allele

Gene: DMD (dystrophin; minus strand). Cytogenetic location: Xp21.1.
Variant type: Deletion.
Identifiers: ClinVar variation 1807260 (VCV001807260.2).

ClinVar aggregate classification (germline): Pathogenic (1 of 4 stars; one submission).

Submission:

Athena Diagnostics
Classification: Pathogenic. Last evaluated: 2022-06-29. Review status: criteria provided, single submitter. Criteria: Athena Diagnostics Criteria. Collection method: clinical testing. Allele origin: unknown.
Comment: This variant is expected to result in the loss of a functional protein. Similar deletions of exons 46-49 have been reported primarily in patients with Duchenne muscular dystrophy (DMD), and also in a few individuals with Becker muscular dystrophy (BMD; PMID: 17259292, 34602496). Similar variants have not been reported in large, multi-ethnic general populations (Genome Aggregation Database (gnomAD), Cambridge, MA (URL)).

Literature cited by the submitters: PubMed 2491010; PubMed 17259292; PubMed 11388892; PubMed 20036901; PubMed 23588064; PubMed 2585468; PubMed 1483053; PubMed 2613240; PubMed 1918370; PubMed 2810338; PubMed 9048922; PubMed 1427789; PubMed 15845029; PubMed 17854090; PubMed 19367636; PubMed 10541573; PubMed 9007319; PubMed 18445268; PubMed 33644936; PubMed 26081009; PubMed 31719299; PubMed 29604111; PubMed 20847377; PubMed 27750387; PubMed 31379145; PubMed 28181689; PubMed 33101180; PubMed 31081998; PubMed 20485447; PubMed 31896777; PubMed 31139960; PubMed 32194622; PubMed 34602496; PubMed 21515508; PubMed 29973226; PubMed 34149409; PubMed 25761239; PubMed 31705731; PubMed 33238405; PubMed 25972034; PubMed 28610567; PubMed 28116794; PubMed 27593222.